The following is an entry in ClinVar:

ClinVar aggregate classification (germline): Likely benign. Review status: criteria provided, multiple submitters, no conflicts (2 of 4 stars). 2 submissions from 2 submitters: Likely benign (2). Last evaluated 2025-12-01.

Conditions:
Congenital myasthenic syndrome 20. Also called: Myasthenic syndrome, congenital, 20, presynaptic. Identifiers: MedGen C4310694, MONDO:0014939, OMIM 617143.
Neuronopathy, distal hereditary motor, type 7A. Also called: Neuronopathy, distal hereditary motor, autosomal dominant 7; HARPER-YOUNG MYOPATHY; HMN VIIA; SPINAL MUSCULAR ATROPHY, DISTAL, WITH VOCAL CORD PARALYSIS; NEURONOPATHY, DISTAL HEREDITARY MOTOR, HARDING TYPE VIIA; NEUROPATHY, DISTAL HEREDITARY MOTOR, HARDING TYPE VIIA. Identifiers: Orphanet 139589, MedGen C1834703, MONDO:0008024, OMIM 158580.

Allele frequency attached by ClinVar (database versions not stated): TOPMed below 0.00001; gnomAD 0.00001; gnomAD exomes 0.00002 and 0.00003; ExAC 0.00004.
gnomAD v4.1: 11 of 1,613,598 alleles (0.00068%); highest among the groups gnomAD compares: Admixed American, 0.018%; no homozygotes.

Submissions (2):

CeGaT Center for Human Genetics Tuebingen
Classification: Likely benign. Last evaluated: 2025-12-01. Review status: criteria provided, single submitter. Criteria: CeGaT Center For Human Genetics Tuebingen Variant Classification Criteria Version 2. Collection method: clinical testing. Allele origin: germline. Affected: yes. Observed: 1 variant allele.
Comment: SLC5A7: BP4, BP7

Labcorp Genetics (formerly Invitae), Labcorp
Classification: Likely benign for Neuronopathy, distal hereditary motor, type 7A; Congenital myasthenic syndrome 20. Last evaluated: 2023-10-30. Review status: criteria provided, single submitter. Criteria: Invitae Variant Classification Sherloc (09022015). Collection method: clinical testing. Allele origin: germline.

NM_021815.5(SLC5A7):c.1026T>C (p.Ala342=)

Gene: SLC5A7 (solute carrier family 5 member 7; plus strand). Cytogenetic location: 2q12.3.
Variant type: single nucleotide variant.
Coding change: c.1026T>C on transcript NM_021815.5 (MANE Select); coding-DNA position 1026, T replaced by C.
Protein change: p.Ala342=; no amino-acid change (alanine 342 retained).
Molecular consequence: synonymous variant.
Genome position (GRCh38, 1-based): chr2:108,008,595, T>C. VCF-style: chr2-108008595-T-C. GRCh37 (hg19) VCF-style: chr2-108625051-T-C.
Other names: c.1026T>C, p.Ala342= (NM_001305005.3); c.711T>C, p.Ala237= (NM_001305006.3); c.285T>C, p.Ala95= (NM_001305007.3).
Identifiers: ClinVar variation 736316 (VCV000736316.13), dbSNP rs745405514, ClinGen allele CA1819104.